The following is an entry in ClinVar:

ClinVar aggregate classification (germline): Uncertain significance. Review status: criteria provided, multiple submitters, no conflicts (2 of 4 stars). 4 submissions from 4 submitters: Uncertain significance (4). Last evaluated 2024-05-28.

Conditions:
ZAP70-related disorder. Also called: ZAP70-related condition.
Combined immunodeficiency due to ZAP70 deficiency (IMD48). Also called: Immunodeficiency 48; ZAP70 Deficiency. Identifiers: Orphanet 911, MedGen C2931299, MONDO:0010023, OMIM 269840.

Allele frequency attached by ClinVar (database versions not stated): gnomAD 0.00001; TOPMed 0.00001; gnomAD exomes 0.00001; ExAC 0.00001.
gnomAD v4.1: 12 of 1,613,634 alleles (0.00074%); highest among the groups gnomAD compares: African/African-American, 0.0013%; no homozygotes.

Submissions (4):

Blueprint Genetics
Classification: Uncertain significance. Last evaluated: 2024-05-28. Review status: criteria provided, single submitter. Criteria: ACMG Guidelines, 2015. Collection method: clinical testing. Allele origin: germline.

Labcorp Genetics (formerly Invitae), Labcorp
Classification: Uncertain significance for Combined immunodeficiency due to ZAP70 deficiency. Last evaluated: 2023-12-09. Review status: criteria provided, single submitter. Criteria: Invitae Variant Classification Sherloc (09022015). Collection method: clinical testing. Allele origin: germline.
Comment: This sequence change replaces arginine, which is basic and polar, with cysteine, which is neutral and slightly polar, at codon 360 of the ZAP70 protein (p.Arg360Cys). The frequency data for this variant in the population databases is considered unreliable, as metrics indicate poor data quality at this position in the gnomAD database. This variant has not been reported in the literature in individuals affected with ZAP70-related conditions. ClinVar contains an entry for this variant (Variation ID: 636360). An algorithm developed to predict the effect of missense changes on protein structure and function (PolyPhen-2) suggests that this variant is likely to be disruptive. In summary, the available evidence is currently insufficient to determine the role of this variant in disease. Therefore, it has been classified as a Variant of Uncertain Significance.

PreventionGenetics, part of Exact Sciences
Classification: Uncertain significance for ZAP70-related condition. Last evaluated: 2023-03-28. Review status: criteria provided, single submitter. Criteria: ACMG Guidelines, 2015. Collection method: clinical testing. Allele origin: germline.
Comment: The ZAP70 c.1078C>T variant is predicted to result in the amino acid substitution p.Arg360Cys. To our knowledge, this variant has not been reported in the literature in individuals with ZAP70-related disorders. This variant is reported in 0.0099% of alleles in individuals of Ashkenazi Jewish descent in gnomAD. At this time, the clinical significance of this variant is uncertain due to the absence of conclusive functional and genetic evidence.

Illumina Laboratory Services, Illumina
Classification: Uncertain significance for Combined immunodeficiency due to ZAP70 deficiency. Last evaluated: 2017-04-28. Review status: criteria provided, single submitter. Criteria: ICSL Variant Classification Criteria 13 December 2019. Collection method: clinical testing. Allele origin: germline.

NM_001079.4(ZAP70):c.1078C>T (p.Arg360Cys)

Gene: ZAP70 (zeta chain of T cell receptor associated protein kinase 70; plus strand). Cytogenetic location: 2q11.2.
Variant type: single nucleotide variant.
Coding change: c.1078C>T on transcript NM_001079.4 (MANE Select); coding-DNA position 1078, C replaced by T.
Protein change: p.Arg360Cys; replaces arginine 360 with cysteine.
Molecular consequence: missense variant.
Genome position (GRCh38, 1-based): chr2:97,734,708, C>T. VCF-style: chr2-97734708-C-T. GRCh37 (hg19) VCF-style: chr2-98351171-C-T.
Other names: c.1078C>T, p.Arg360Cys (NM_001378594.1); c.157C>T, p.Arg53Cys (NM_207519.2); short protein forms R360C, R53C.
Identifiers: ClinVar variation 636360 (VCV000636360.15), dbSNP rs781463009, ClinGen allele CA1790349.
Genomic context (GRCh38, chr2:97,734,708, plus strand): 5'-GCTGACATTGAACTTGGCTGCGGCAACTTTGGCTCAGTGCGCCAGGGCGTGTACCGCATG[C>T]GCAAGTATGGCCGCCCCTGCCGTGGTGGGAGCACCGCCGCCTGGGGCAGAGGGGAGTGGC-3'
Protein context (NP_001070.2, residues 350-370): GSVRQGVYRM[Arg360Cys]KKQIDVAIKV